The following is an entry in ClinVar:

NM_000179.3(MSH6):c.2740A>G (p.Thr914Ala)

Gene: MSH6 (mutS homolog 6; plus strand). Cytogenetic location: 2p16.3.
Variant type: single nucleotide variant.
Coding change: c.2740A>G on transcript NM_000179.3 (MANE Select); coding-DNA position 2740, A replaced by G.
Protein change: p.Thr914Ala; replaces threonine 914 with alanine.
Molecular consequence: missense variant.
Genome position (GRCh38, 1-based): chr2:47,800,723, A>G. VCF-style: chr2-47800723-A-G. GRCh37 (hg19) VCF-style: chr2-48027862-A-G.
Other names: c.2350A>G, p.Thr784Ala (NM_001281492.2); c.1834A>G, p.Thr612Ala (NM_001281493.2, NM_001281494.2); short protein forms T784A, T914A, T612A.
Identifiers: ClinVar variation 1477214 (VCV001477214.8), dbSNP rs2104421790, ClinGen allele CA346755395.

ClinVar aggregate classification (germline): Uncertain significance (1 of 4 stars; one submission).

Conditions:
Hereditary nonpolyposis colorectal neoplasms. Identifiers: MedGen C0009405, MeSH D003123.

Submission:

Labcorp Genetics (formerly Invitae), Labcorp
Classification: Uncertain significance for Hereditary nonpolyposis colorectal neoplasms. Last evaluated: 2021-06-29. Review status: criteria provided, single submitter. Criteria: Invitae Variant Classification Sherloc (09022015). Collection method: clinical testing. Allele origin: germline.
Comment: This variant is not present in population databases (ExAC no frequency). This variant has not been reported in the literature in individuals affected with MSH6-related conditions. Advanced modeling of protein sequence and biophysical properties (such as structural, functional, and spatial information, amino acid conservation, physicochemical variation, residue mobility, and thermodynamic stability) performed at Invitae indicates that this missense variant is not expected to disrupt MSH6 protein function. In summary, the available evidence is currently insufficient to determine the role of this variant in disease. Therefore, it has been classified as a Variant of Uncertain Significance. This sequence change replaces threonine with alanine at codon 914 of the MSH6 protein (p.Thr914Ala). The threonine residue is moderately conserved and there is a small physicochemical difference between threonine and alanine.